The following is an entry in ClinVar:

ClinVar aggregate classification (germline): Uncertain significance. Review status: criteria provided, multiple submitters, no conflicts (2 of 4 stars). 2 submissions from 2 submitters: Uncertain significance (2). Last evaluated 2025-08-07.

Conditions:
Hereditary cancer-predisposing syndrome. Also called: Neoplastic Syndromes, Hereditary; Hereditary Cancer Syndrome; Hereditary neoplastic syndrome; Tumor predisposition. Identifiers: Orphanet 140162, MedGen C0027672, MeSH D009386, MONDO:0015356.

Allele frequency attached by ClinVar (database versions not stated): gnomAD exomes below 0.00001.
gnomAD v4.1: 3 of 1,613,706 alleles (0.00019%); highest among the groups gnomAD compares: Non-Finnish European, 0.00017%; no homozygotes.

Submissions (2):

Labcorp Genetics (formerly Invitae), Labcorp
Classification: Uncertain significance. Last evaluated: 2025-08-07. Review status: criteria provided, single submitter. Criteria: Invitae Variant Classification Sherloc (09022015). Collection method: clinical testing. Allele origin: germline.
Comment: This sequence change replaces isoleucine, which is neutral and non-polar, with valine, which is neutral and non-polar, at codon 189 of the CTNNA1 protein (p.Ile189Val). This variant is not present in population databases (gnomAD no frequency). This variant has not been reported in the literature in individuals affected with CTNNA1-related conditions. ClinVar contains an entry for this variant (Variation ID: 1060759). Invitae Evidence Modeling of protein sequence and biophysical properties (such as structural, functional, and spatial information, amino acid conservation, physicochemical variation, residue mobility, and thermodynamic stability) indicates that this missense variant is not expected to disrupt CTNNA1 protein function with a negative predictive value of 80%. In summary, the available evidence is currently insufficient to determine the role of this variant in disease. Therefore, it has been classified as a Variant of Uncertain Significance.

Ambry Genetics
Classification: Uncertain significance for Hereditary cancer-predisposing syndrome. Last evaluated: 2023-08-29. Review status: criteria provided, single submitter. Criteria: Ambry Variant Classification Scheme 2023. Collection method: clinical testing. Allele origin: germline.
Comment: The p.I189V variant (also known as c.565A>G), located in coding exon 4 of the CTNNA1 gene, results from an A to G substitution at nucleotide position 565. The isoleucine at codon 189 is replaced by valine, an amino acid with highly similar properties. This amino acid position is conserved. In addition, this alteration is predicted to be tolerated by in silico analysis. Since supporting evidence is limited at this time, the clinical significance of this alteration remains unclear.

NM_001903.5(CTNNA1):c.565A>G (p.Ile189Val)

Gene: CTNNA1 (catenin alpha 1; plus strand). Cytogenetic location: 5q31.2.
Variant type: single nucleotide variant.
Coding change: c.565A>G on transcript NM_001903.5 (MANE Select); coding-DNA position 565, A replaced by G.
Protein change: p.Ile189Val; replaces isoleucine 189 with valine.
Molecular consequence: missense variant.
Genome position (GRCh38, 1-based): chr5:138,812,279, A>G. VCF-style: chr5-138812279-A-G. GRCh37 (hg19) VCF-style: chr5-138147968-A-G.
Other names: c.565A>G, p.Ile189Val (NM_001290307.3, NM_001323982.2, NM_001323983.1 and 3 more transcripts); c.256A>G, p.Ile86Val (NM_001290309.3); c.196A>G, p.Ile66Val (NM_001290310.3); c.565A>G (NM_001903.2); short protein forms I189V, I66V, I86V.
Identifiers: ClinVar variation 1060759 (VCV001060759.8), dbSNP rs1758901728, ClinGen allele CA361125562.